The following is an entry in ClinVar:

NM_000093.5(COL5A1):c.2812G>A (p.Gly938Ser)

Gene: COL5A1 (collagen type V alpha 1 chain; plus strand). Cytogenetic location: 9q34.3.
Variant type: single nucleotide variant.
Coding change: c.2812G>A on transcript NM_000093.5 (MANE Select); coding-DNA position 2812, G replaced by A.
Protein change: p.Gly938Ser; replaces glycine 938 with serine.
Molecular consequence: missense variant.
Genome position (GRCh38, 1-based): chr9:134,796,386, G>A. VCF-style: chr9-134796386-G-A. GRCh37 (hg19) VCF-style: chr9-137688232-G-A.
Other names: c.2812G>A, p.Gly938Ser (NM_001278074.1); short protein forms G938S.
Identifiers: ClinVar variation 4703516 (VCV004703516.1).

ClinVar aggregate classification (germline): Uncertain significance (1 of 4 stars; one submission).

Conditions:
Ehlers-Danlos syndrome, classic type, 1 (EDSCL1). Also called: EHLERS-DANLOS SYNDROME, GRAVIS TYPE; EHLERS-DANLOS SYNDROME, SEVERE CLASSIC TYPE; Ehlers-Danlos syndrome, type 1; Ehlers-Danlos Syndrome, Classic Type, COL5A1-Related; EDS I. Identifiers: MedGen C0268335, MONDO:0019567, OMIM 130000.

gnomAD v4.1: 1 of 1,614,144 alleles (0.000062%); highest among the groups gnomAD compares: South Asian, 0.0011%; no homozygotes.

Submission:

Labcorp Genetics (formerly Invitae), Labcorp
Classification: Uncertain significance for Ehlers-Danlos syndrome, classic type, 1. Last evaluated: 2025-05-14. Review status: criteria provided, single submitter. Criteria: Invitae Variant Classification Sherloc (09022015). Collection method: clinical testing. Allele origin: germline.
Comment: This sequence change replaces glycine, which is neutral and non-polar, with serine, which is neutral and polar, at codon 938 of the COL5A1 protein (p.Gly938Ser). This variant is not present in population databases (gnomAD no frequency). This variant has not been reported in the literature in individuals affected with COL5A1-related conditions. Invitae Evidence Modeling of protein sequence and biophysical properties (such as structural, functional, and spatial information, amino acid conservation, physicochemical variation, residue mobility, and thermodynamic stability) indicates that this missense variant is not expected to disrupt COL5A1 protein function with a negative predictive value of 95%. In summary, the available evidence is currently insufficient to determine the role of this variant in disease. Therefore, it has been classified as a Variant of Uncertain Significance.